The following is an entry in ClinVar:

NM_000372.5(TYR):c.823G>A (p.Val275Ile)

Gene: TYR (tyrosinase; plus strand). Cytogenetic location: 11q14.3.
Variant type: single nucleotide variant.
Coding change: c.823G>A on transcript NM_000372.5 (MANE Select); coding-DNA position 823, G replaced by A.
Protein change: p.Val275Ile; replaces valine 275 with isoleucine.
Molecular consequence: missense variant.
Genome position (GRCh38, 1-based): chr11:89,191,205, G>A. VCF-style: chr11-89191205-G-A. GRCh37 (hg19) VCF-style: chr11-88924373-G-A.
Other names: short protein forms V275I.
Identifiers: ClinVar variation 3769503 (VCV003769503.2).
Genomic context (GRCh38, chr11:89,191,205, plus strand): 5'-TCTCCTACTGACTCAGTGGTGGTGACAATTTGTTTAACATGAGGGTGTTTTGTACAGATT[G>A]TCTGTAGCCGATTGGAGGAGTACAACAGCCATCAGTCTTTATGCAATGGAACGCCCGAGG-3'
Protein context (NP_000363.1, residues 265-285): PASFFSSWQI[Val275Ile]CSRLEEYNSH

ClinVar aggregate classification (germline): Uncertain significance (1 of 4 stars; one submission).

gnomAD v4.1: 2 of 1,613,358 alleles (0.00012%); highest among the groups gnomAD compares: South Asian, 0.0022%; no homozygotes.

Submission:

Women's Health and Genetics/Laboratory Corporation of America, LabCorp
Classification: Uncertain significance. Last evaluated: 2025-01-21. Review status: criteria provided, single submitter. Criteria: LabCorp Variant Classification Summary - May 2015. Collection method: clinical testing. Allele origin: germline.
Comment: Variant summary: TYR c.823G>A (p.Val275Ile) results in a conservative amino acid change located in the common central domain of tyrosinase (IPR002227) of the encoded protein sequence. Five of five in-silico tools predict a benign effect of the variant on protein function. The variant allele was found at a frequency of 8e-06 in 250988 control chromosomes (gnomAD). The available data on variant occurrences in the general population are insufficient to allow any conclusion about variant significance. To our knowledge, no occurrence of c.823G>A in individuals affected with oculocutaneous albinism and no experimental evidence demonstrating its impact on protein function have been reported. A different variant affecting the same codon has been classified as pathogenic by our lab (c.823G>T, p.Val275Phe), supporting the critical relevance of codon 275 to TYR protein function. No submitters have cited clinical-significance assessments for this variant to ClinVar. Based on the evidence outlined above, the variant was classified as uncertain significance.